The following is an entry in ClinVar:

NM_199420.4(POLQ):c.5920C>T (p.Leu1974Phe)

Gene: POLQ (DNA polymerase theta; minus strand). Cytogenetic location: 3q13.33.
Variant type: single nucleotide variant.
Coding change: c.5920C>T on transcript NM_199420.4 (MANE Select); coding-DNA position 5920, C replaced by T.
Protein change: p.Leu1974Phe; replaces leucine 1974 with phenylalanine.
Molecular consequence: missense variant.
Genome position (GRCh38, 1-based): chr3:121,483,436, G>A on the plus strand (C>T on the coding strand, the complement: POLQ is on the minus strand). VCF-style: chr3-121483436-G-A. GRCh37 (hg19) VCF-style: chr3-121202283-G-A.
Other names: short protein forms L1974F.
Identifiers: ClinVar variation 2448899 (VCV002448899.2), dbSNP rs867210399, ClinGen allele CA81831329.
Genomic context (GRCh38, chr3:121,483,436, plus strand): 5'-GACATAGAACCTTAGGATCTTCATAACTTTGCTCCAAGGAGATGCCACAAGAAAGAAGAA[G>A]AATTTTATAGCTCTGGATGAAGTCATAGATGACAACAGAACATTCTTTATCAGATTCCTT-3'
Protein context (NP_955452.3, residues 1964-1984): IYDFIQSYKI[Leu1974Phe]LLSCGISLEQ

ClinVar aggregate classification (germline): Uncertain significance (1 of 4 stars; one submission).

Allele frequency attached by ClinVar (database versions not stated): gnomAD exomes below 0.00001.
gnomAD v4.1: 1 of 1,589,610 alleles (0.000063%); highest among the groups gnomAD compares: Admixed American, 0.0019%; no homozygotes.

Submission:

Ambry Genetics
Classification: Uncertain significance. Last evaluated: 2022-11-04. Review status: criteria provided, single submitter. Criteria: Ambry Variant Classification Scheme 2023. Collection method: clinical testing. Allele origin: germline.
Comment: The p.L1974F variant (also known as c.5920C>T), located in coding exon 18 of the POLQ gene, results from a C to T substitution at nucleotide position 5920. The leucine at codon 1974 is replaced by phenylalanine, an amino acid with highly similar properties. This amino acid position is conserved. In addition, this alteration is predicted to be tolerated by in silico analysis. Since supporting evidence is limited at this time, the clinical significance of this alteration remains unclear.